The following is an entry in ClinVar:

NM_001558.4(IL10RA):c.887T>C (p.Leu296Pro)

Gene: IL10RA (interleukin 10 receptor subunit alpha; plus strand). Cytogenetic location: 11q23.3.
Variant type: single nucleotide variant.
Coding change: c.887T>C on transcript NM_001558.4 (MANE Select); coding-DNA position 887, T replaced by C.
Protein change: p.Leu296Pro; replaces leucine 296 with proline.
Molecular consequence: missense variant. On other transcripts: non-coding transcript variant (1).
Genome position (GRCh38, 1-based): chr11:117,998,791, T>C. VCF-style: chr11-117998791-T-C. GRCh37 (hg19) VCF-style: chr11-117869506-T-C.
Other names: short protein forms L296P.
Identifiers: ClinVar variation 2105183 (VCV002105183.3), dbSNP rs968277657, ClinGen allele CA229448884.
Genomic context (GRCh38, chr11:117,998,791, plus strand): 5'-GCCCCTTCATCTTCATCAGCCAGCGTCCCTCCCCAGAGACCCAAGACACCATCCACCCGC[T>C]TGATGAGGAGGCCTTTTTGAAGGTGTCCCCAGAGCTGAAGAACTTGGACCTGCACGGCAG-3'
Protein context (NP_001549.2, residues 286-306): SPETQDTIHP[Leu296Pro]DEEAFLKVSP

ClinVar aggregate classification (germline): Uncertain significance (1 of 4 stars; one submission).

Conditions:
Inflammatory bowel disease 28. Also called: Inflammatory bowel disease 28, early onset, autosomal recessive. Identifiers: Orphanet 238569, MedGen C2751053, MONDO:0013153, OMIM 613148.

Allele frequency attached by ClinVar (database versions not stated): gnomAD exomes below 0.00001; gnomAD 0.00001; TOPMed 0.00001.

Submission:

Labcorp Genetics (formerly Invitae), Labcorp
Classification: Uncertain significance for Inflammatory bowel disease 28. Last evaluated: 2024-04-16. Review status: criteria provided, single submitter. Criteria: Invitae Variant Classification Sherloc (09022015). Collection method: clinical testing. Allele origin: germline.
Comment: This sequence change replaces leucine, which is neutral and non-polar, with proline, which is neutral and non-polar, at codon 296 of the IL10RA protein (p.Leu296Pro). This variant is not present in population databases (gnomAD no frequency). This variant has not been reported in the literature in individuals affected with IL10RA-related conditions. ClinVar contains an entry for this variant (Variation ID: 2105183). Advanced modeling of protein sequence and biophysical properties (such as structural, functional, and spatial information, amino acid conservation, physicochemical variation, residue mobility, and thermodynamic stability) has been performed at Invitae for this missense variant, however the output from this modeling did not meet the statistical confidence thresholds required to predict the impact of this variant on IL10RA protein function. In summary, the available evidence is currently insufficient to determine the role of this variant in disease. Therefore, it has been classified as a Variant of Uncertain Significance.